The following is an entry in ClinVar:

ClinVar aggregate classification (germline): Uncertain significance. Review status: criteria provided, multiple submitters, no conflicts (2 of 4 stars). 3 submissions from 3 submitters: Uncertain significance (3). Last evaluated 2025-11-03.

Conditions:
Propionic acidemia (PROP). Also called: GLYCINEMIA, KETOTIC; HYPERGLYCINEMIA WITH KETOACIDOSIS AND LEUKOPENIA; KETOTIC HYPERGLYCINEMIA. Identifiers: Orphanet 35, MedGen C0268579, MONDO:0011628, OMIM 606054, HP:0003571.
Inborn genetic diseases. Identifiers: MedGen C0950123, MeSH D030342.

Allele frequency attached by ClinVar (database versions not stated): gnomAD 0.00001; ExAC 0.00002; gnomAD exomes 0.00002 and 0.00004; TOPMed 0.00002.
gnomAD v4.1: 60 of 1,614,018 alleles (0.0037%); highest among the groups gnomAD compares: Non-Finnish European, 0.005%; no homozygotes.

Submissions (3):

Ambry Genetics
Classification: Uncertain significance for Inborn genetic diseases. Last evaluated: 2025-11-03. Review status: criteria provided, single submitter. Criteria: Ambry Variant Classification Scheme 2023. Collection method: clinical testing. Allele origin: germline.

GeneDx
Classification: Uncertain significance. Last evaluated: 2024-10-02. Review status: criteria provided, single submitter. Criteria: GeneDx Variant Classification Process June 2021. Collection method: clinical testing. Allele origin: germline. Affected: yes.
Comment: Not observed at significant frequency in large population cohorts (gnomAD); In silico analysis supports that this missense variant has a deleterious effect on protein structure/function; Has not been previously published as pathogenic or benign to our knowledge

Labcorp Genetics (formerly Invitae), Labcorp
Classification: Uncertain significance for Propionic acidemia. Last evaluated: 2022-05-01. Review status: criteria provided, single submitter. Criteria: Invitae Variant Classification Sherloc (09022015). Collection method: clinical testing. Allele origin: germline.
Comment: This sequence change replaces asparagine, which is neutral and polar, with serine, which is neutral and polar, at codon 263 of the PCCB protein (p.Asn263Ser). This variant is present in population databases (rs749071200, gnomAD 0.007%). This variant has not been reported in the literature in individuals affected with PCCB-related conditions. Algorithms developed to predict the effect of missense changes on protein structure and function are either unavailable or do not agree on the potential impact of this missense change (SIFT: "Deleterious"; PolyPhen-2: "Benign"; Align-GVGD: "Class C45"). In summary, the available evidence is currently insufficient to determine the role of this variant in disease. Therefore, it has been classified as a Variant of Uncertain Significance.

NM_000532.5(PCCB):c.788A>G (p.Asn263Ser)

Gene: PCCB (propionyl-CoA carboxylase subunit beta; plus strand). Cytogenetic location: 3q22.3.
Variant type: single nucleotide variant.
Coding change: c.788A>G on transcript NM_000532.5 (MANE Select); coding-DNA position 788, A replaced by G.
Protein change: p.Asn263Ser; replaces asparagine 263 with serine.
Molecular consequence: missense variant.
Genome position (GRCh38, 1-based): chr3:136,297,976, A>G. VCF-style: chr3-136297976-A-G. GRCh37 (hg19) VCF-style: chr3-136016818-A-G.
Other names: c.848A>G, p.Asn283Ser (NM_001178014.2); c.788A>G (NM_000532.4); short protein forms N263S, N283S.
Identifiers: ClinVar variation 1375185 (VCV001375185.6), dbSNP rs749071200, ClinGen allele CA2631873.